The following is an entry in ClinVar:

ClinVar aggregate classification (germline): Likely benign (1 of 4 stars; one submission).

Allele frequency attached by ClinVar (database versions not stated): gnomAD 0.00001; ExAC 0.00002; ESP Exome Variant Server 0.00008.
gnomAD v4.1: 64 of 1,612,442 alleles (0.004%); highest among the groups gnomAD compares: Non-Finnish European, 0.005%; no homozygotes.

Submission:

CeGaT Center for Human Genetics Tuebingen
Classification: Likely benign. Last evaluated: 2023-12-01. Review status: criteria provided, single submitter. Criteria: CeGaT Center For Human Genetics Tuebingen Variant Classification Criteria Version 2. Collection method: clinical testing. Allele origin: germline. Affected: yes. Observed: 1 variant allele.
Comment: KCNT2: BP4

NM_198503.5(KCNT2):c.1730C>T (p.Ser577Leu)

Gene: KCNT2 (potassium sodium-activated channel subfamily T member 2; minus strand). Cytogenetic location: 1q31.3.
Variant type: single nucleotide variant.
Coding change: c.1730C>T on transcript NM_198503.5 (MANE Select); coding-DNA position 1730, C replaced by T.
Protein change: p.Ser577Leu; replaces serine 577 with leucine.
Molecular consequence: missense variant. On other transcripts: non-coding transcript variant (2).
Genome position (GRCh38, 1-based): chr1:196,340,394, G>A on the plus strand (C>T on the coding strand, the complement: KCNT2 is on the minus strand). VCF-style: chr1-196340394-G-A. GRCh37 (hg19) VCF-style: chr1-196309524-G-A.
Other names: c.1730C>T, p.Ser577Leu (NM_001287819.3); c.1580C>T, p.Ser527Leu (NM_001287820.3); short protein forms S527L, S577L.
Identifiers: ClinVar variation 3025888 (VCV003025888.22), dbSNP rs140538298, ClinGen allele CA1304377.